The following is an entry in ClinVar:

NM_020134.4(DPYSL5):c.1480G>A (p.Gly494Arg)

Gene: DPYSL5 (dihydropyrimidinase like 5; plus strand). Cytogenetic location: 2p23.3.
Variant type: single nucleotide variant.
Coding change: c.1480G>A on transcript NM_020134.4 (MANE Select); coding-DNA position 1480, G replaced by A.
Protein change: p.Gly494Arg; replaces glycine 494 with arginine.
Molecular consequence: missense variant.
Genome position (GRCh38, 1-based): chr2:26,944,695, G>A. VCF-style: chr2-26944695-G-A. GRCh37 (hg19) VCF-style: chr2-27167563-G-A.
Other names: c.1480G>A, p.Gly494Arg (NM_001253723.2, NM_001253724.2); short protein forms G494R.
Identifiers: ClinVar variation 3363610 (VCV003363610.1).

ClinVar aggregate classification (germline): Uncertain significance (1 of 4 stars; one submission).

Submission:

GeneDx
Classification: Uncertain significance. Last evaluated: 2023-10-30. Review status: criteria provided, single submitter. Criteria: GeneDx Variant Classification Process June 2021. Collection method: clinical testing. Allele origin: germline. Affected: yes.
Comment: Not observed at significant frequency in large population cohorts (gnomAD); In silico analysis supports that this missense variant has a deleterious effect on protein structure/function; Has not been previously published as pathogenic or benign to our knowledge